The following is an entry in ClinVar:

NM_022089.4(ATP13A2):c.2395G>T (p.Ala799Ser)

Gene: ATP13A2 (ATPase cation transporting 13A2; minus strand). Cytogenetic location: 1p36.13.
Variant type: single nucleotide variant.
Coding change: c.2395G>T on transcript NM_022089.4 (MANE Select); coding-DNA position 2395, G replaced by T.
Protein change: p.Ala799Ser; replaces alanine 799 with serine.
Molecular consequence: missense variant.
Genome position (GRCh38, 1-based): chr1:16,990,144, C>A on the plus strand (G>T on the coding strand, the complement: ATP13A2 is on the minus strand). VCF-style: chr1-16990144-C-A. GRCh37 (hg19) VCF-style: chr1-17316639-C-A.
Other names: c.2380G>T, p.Ala794Ser (NM_001141973.3, NM_001141974.3); short protein forms A794S, A799S.
Identifiers: ClinVar variation 3383824 (VCV003383824.1).
Genomic context (GRCh38, chr1:16,990,144, plus strand): 5'-GGTCACTGGGTGAGGTACAGCTGGAACTCTGGGTTAGCCTCACCTTAACGCCATTCACGG[C>A]TGTGGGGGACTCCATCGGCAGGAACTCGAGAGAGGCAGGCTGACCCCGCTCAGGGTGGGT-3'
Protein context (NP_071372.1, residues 789-809): LEFLPMESPT[Ala799Ser]VNGVKDPDQA

ClinVar aggregate classification (germline): Uncertain significance (1 of 4 stars; one submission).

gnomAD v4.1: 3 of 1,614,162 alleles (0.00019%); highest among the groups gnomAD compares: Non-Finnish European, 0.00025%; no homozygotes.

Submission:

GeneDx
Classification: Uncertain significance. Last evaluated: 2024-05-30. Review status: criteria provided, single submitter. Criteria: GeneDx Variant Classification Process June 2021. Collection method: clinical testing. Allele origin: germline. Affected: yes.
Comment: Not observed at significant frequency in large population cohorts (gnomAD); In silico analysis indicates that this missense variant does not alter protein structure/function; Has not been previously published as pathogenic or benign to our knowledge